The following is an entry in ClinVar:

ClinVar aggregate classification (germline): Uncertain significance. Review status: criteria provided, single submitter (1 of 4 stars). 2 submissions from 2 submitters: Uncertain significance (1). 1 of the submissions does not count toward it. Last evaluated 2021-12-14.

Conditions:
Asphyxiating thoracic dystrophy 3. Also called: SHORT-RIB THORACIC DYSPLASIA 3 WITH OR WITHOUT POLYDACTYLY; POLYDACTYLY WITH NEONATAL CHONDRODYSTROPHY, TYPE I; SHORT-RIB THORACIC DYSPLASIA 3/6 WITH POLYDACTYLY, DIGENIC; Short rib polydactyly syndrome 2B; Saldino-Noonan Syndrome. Identifiers: Orphanet 474, Orphanet 93269, Orphanet 93270, Orphanet 93271, MedGen C0036069, MONDO:0013127, OMIM 613091.
Inborn genetic diseases. Identifiers: MedGen C0950123, MeSH D030342.

Allele frequency attached by ClinVar (database versions not stated): gnomAD exomes below 0.00001; TOPMed below 0.00001.
gnomAD v4.1: 6 of 1,569,164 alleles (0.00038%); highest among the groups gnomAD compares: Non-Finnish European, 0.00052%; no homozygotes.

Submissions (2):

Ambry Genetics
Classification: Uncertain significance for Inborn genetic diseases. Last evaluated: 2021-12-14. Review status: criteria provided, single submitter. Criteria: Ambry Variant Classification Scheme 2023. Collection method: clinical testing. Allele origin: germline.

Hainan Provincial Key Laboratory for Human Reproductive Medicine and Genetic Research
Classification: Uncertain significance for Asphyxiating thoracic dystrophy 3. Last evaluated: 2024-07-25. Review status: no assertion criteria provided. Collection method: clinical testing. Allele origin: paternal. Inheritance: Autosomal recessive inheritance. Affected: yes. Not counted in ClinVar's aggregate classification.
Comment: the mutation of c.7720G>A has not been reported so far, supporting the classification of VUS.the c.7720G>A variant found in exon 48 of the DYNC2H1 gene is a missense variant that results in the substitution of valine for isoleucine at amino acid position 2574 (p.Val2574Ile). The ACMG guidelines are used for assessment. The missense mutation is located in the hot spots of mutations. A high frequency of known pathogenic mutations is present in multiple adjacent residues, and the known pathogenic variation has also been detected in the trans-structure sequencing. Preliminary confirmation of the pathogenicity of this de novo mutation.

NM_001377.3(DYNC2H1):c.7720G>A (p.Val2574Ile)

Gene: DYNC2H1 (dynein cytoplasmic 2 heavy chain 1; plus strand). Cytogenetic location: 11q22.3.
Variant type: single nucleotide variant.
Coding change: c.7720G>A on transcript NM_001377.3 (MANE Select); coding-DNA position 7720, G replaced by A.
Protein change: p.Val2574Ile; replaces valine 2574 with isoleucine.
Molecular consequence: missense variant.
Genome position (GRCh38, 1-based): chr11:103,197,944, G>A. VCF-style: chr11-103197944-G-A. GRCh37 (hg19) VCF-style: chr11-103068673-G-A.
Other names: c.7720G>A, p.Val2574Ile (NM_001080463.2); short protein forms V2574I.
Identifiers: ClinVar variation 2267054 (VCV002267054.3), dbSNP rs1862566011, ClinGen allele CA382255527.